The following is an entry in ClinVar:

NM_015512.5(DNAH1):c.6985+3G>A

Gene: DNAH1 (dynein axonemal heavy chain 1; plus strand). Cytogenetic location: 3p21.1.
Variant type: single nucleotide variant.
Coding change: c.6985+3G>A on transcript NM_015512.5 (MANE Select); 3 bases into the intron after coding-DNA position 6985, G replaced by A.
Molecular consequence: intron variant.
Genome position (GRCh38, 1-based): chr3:52,373,056, G>A. VCF-style: chr3-52373056-G-A. GRCh37 (hg19) VCF-style: chr3-52407072-G-A.
Identifiers: ClinVar variation 3748156 (VCV003748156.2).

ClinVar aggregate classification (germline): Uncertain significance (1 of 4 stars; one submission).

Conditions:
Spermatogenic failure 18. Identifiers: MedGen C4539783, MONDO:0054615, OMIM 617576.
Ciliary dyskinesia, primary, 37 (CILD37). Also called: CILIARY DYSKINESIA, PRIMARY, 37, WITH OR WITHOUT SITUS INVERSUS. Identifiers: MedGen C4539798, MONDO:0033204, OMIM 617577.

gnomAD v4.1: 2 of 1,607,554 alleles (0.00012%); highest among the groups gnomAD compares: East Asian, 0.0045%; no homozygotes.

Submission:

Labcorp Genetics (formerly Invitae), Labcorp
Classification: Uncertain significance for Ciliary dyskinesia, primary, 37; Spermatogenic failure 18. Last evaluated: 2024-07-15. Review status: criteria provided, single submitter. Criteria: Invitae Variant Classification Sherloc (09022015). Collection method: clinical testing. Allele origin: germline.
Comment: This sequence change falls in intron 44 of the DNAH1 gene. It does not directly change the encoded amino acid sequence of the DNAH1 protein. It affects a nucleotide within the consensus splice site. The frequency data for this variant in the population databases is considered unreliable, as metrics indicate poor data quality at this position in the gnomAD database. This variant has not been reported in the literature in individuals affected with DNAH1-related conditions. Variants that disrupt the consensus splice site are a relatively common cause of aberrant splicing (PMID: 17576681, 9536098). Algorithms developed to predict the effect of sequence changes on RNA splicing suggest that this variant is not likely to affect RNA splicing. In summary, the available evidence is currently insufficient to determine the role of this variant in disease. Therefore, it has been classified as a Variant of Uncertain Significance.

Literature cited by the submitters: PubMed 17576681; PubMed 9536098.